The following is an entry in ClinVar:

NM_000268.4(NF2):c.1597A>G (p.Lys533Glu)

Gene: NF2 (NF2, moesin-ezrin-radixin like (MERLIN) tumor suppressor; plus strand). Cytogenetic location: 22q12.2.
Variant type: single nucleotide variant.
Coding change: c.1597A>G on transcript NM_000268.4 (MANE Select); coding-DNA position 1597, A replaced by G.
Protein change: p.Lys533Glu; replaces lysine 533 with glutamic acid.
Molecular consequence: missense variant. On other transcripts: intron variant (3).
Genome position (GRCh38, 1-based): chr22:29,681,461, A>G. VCF-style: chr22-29681461-A-G. GRCh37 (hg19) VCF-style: chr22-30077450-A-G.
Other names: c.1483A>G, p.Lys495Glu (NM_001407053.1, NM_001407056.1); c.1474A>G, p.Lys492Glu (NM_001407054.1, NM_001407058.1, NM_181829.3); c.1471A>G, p.Lys491Glu (NM_001407055.1, NM_181828.3); c.1462A>G, p.Lys488Glu (NM_001407057.1, NM_001407059.1); c.1339A>G, p.Lys447Glu (NM_001407062.1); c.1348A>G, p.Lys450Glu (NM_001407063.1, NM_181830.3, NM_181831.3); c.1063A>G, p.Lys355Glu (NM_001407065.1); c.1597A>G, p.Lys533Glu (NM_001407066.1, NM_016418.5, NM_181825.3 and 1 more transcripts); and 4 more; short protein forms K447E, K450E, K488E, K491E, K456E, K495E, K355E, K492E.
Identifiers: ClinVar variation 3919151 (VCV003919151.1).

ClinVar aggregate classification (germline): Uncertain significance (1 of 4 stars; one submission).

Conditions:
Hereditary cancer-predisposing syndrome. Also called: Hereditary Cancer Syndrome; Hereditary neoplastic syndrome; Neoplastic Syndromes, Hereditary; Tumor predisposition. Identifiers: Orphanet 140162, MedGen C0027672, MeSH D009386, MONDO:0015356.

Submission:

Ambry Genetics
Classification: Uncertain significance for Hereditary cancer-predisposing syndrome. Last evaluated: 2025-05-04. Review status: criteria provided, single submitter. Criteria: Ambry Variant Classification Scheme 2023. Collection method: clinical testing. Allele origin: germline.
Comment: The p.K533E variant (also known as c.1597A>G), located in coding exon 15 of the NF2 gene, results from an A to G substitution at nucleotide position 1597. The lysine at codon 533 is replaced by glutamic acid, an amino acid with similar properties. This amino acid position is conserved. In addition, the in silico prediction for this alteration is inconclusive. Based on the available evidence, the clinical significance of this variant remains unclear.